The following is an entry in ClinVar:

ClinVar aggregate classification (germline): Likely benign. Review status: criteria provided, single submitter (1 of 4 stars). 2 submissions from 1 submitter: Likely benign (2). Last evaluated 2018-01-12.

Conditions:
Charcot-Marie-Tooth disease type 4C (CMT4C). Also called: CMT 4C; Charcot-Marie-Tooth Neuropathy Type 4C (CMT4C); CHARCOT-MARIE-TOOTH DISEASE, DEMYELINATING, TYPE 4C; CHARCOT-MARIE-TOOTH DISEASE, DEMYELINATING, AUTOSOMAL RECESSIVE, TYPE 4C; SH3TC2-Related Hereditary Motor and Sensory Neuropathy. Identifiers: Orphanet 99949, MedGen C1866636, MONDO:0011113, OMIM 601596.
Susceptibility to mononeuropathy of the median nerve, mild. Also called: CARPAL TUNNEL SYNDROME, SUSCEPTIBILITY TO. Identifiers: MedGen C3150596, MONDO:0013237, OMIM 613353.

Allele frequency attached by ClinVar (database versions not stated): TOPMed 0.00007; 1000 Genomes Project 0.00060; 1000 Genomes Project 30x 0.00078.
gnomAD v4.1: 10 of 152,192 alleles (0.0066%); highest among the groups gnomAD compares: East Asian, 0.19%; no homozygotes.

Submissions (2):

Illumina Laboratory Services, Illumina
Classification: Likely benign for Charcot-Marie-Tooth disease type 4C. Last evaluated: 2018-01-12. Review status: criteria provided, single submitter. Criteria: ICSL Variant Classification Criteria 13 December 2019. Collection method: clinical testing. Allele origin: germline.
Comment: This variant was observed in the ICSL laboratory as part of a predisposition screen in an ostensibly healthy population. It had not been previously curated by ICSL or reported in the Human Gene Mutation Database (HGMD: prior to June 1st, 2018), and was therefore a candidate for classification through an automated scoring system. Utilizing variant allele frequency, disease prevalence and penetrance estimates, and inheritance mode, an automated score was calculated to assess if this variant is too frequent to cause the disease. Based on the score and internal cut-off values, a variant classified as likely benign is not then subjected to further curation. The score for this variant resulted in a classification of likely benign for this disease.

Illumina Laboratory Services, Illumina
Classification: Likely benign for Susceptibility to mononeuropathy of the median nerve, mild. Last evaluated: 2018-01-12. Review status: criteria provided, single submitter. Criteria: ICSL Variant Classification Criteria 13 December 2019. Collection method: clinical testing. Allele origin: germline.
Comment: the same text as in the submission from Illumina Laboratory Services, Illumina above.

NM_024577.4(SH3TC2):c.*14188C>T

Gene: SH3TC2 (SH3 domain and tetratricopeptide repeats 2; minus strand). Cytogenetic location: 5q32.
Variant type: single nucleotide variant.
Coding change: c.*14188C>T on transcript NM_024577.4 (MANE Select); 14188 bases downstream of the stop codon, C replaced by T.
Molecular consequence: 3 prime UTR variant.
Genome position (GRCh38, 1-based): chr5:148,990,523, G>A on the plus strand (C>T on the coding strand, the complement: SH3TC2 is on the minus strand). VCF-style: chr5-148990523-G-A. GRCh37 (hg19) VCF-style: chr5-148370086-G-A.
Identifiers: ClinVar variation 903846 (VCV000903846.4), dbSNP rs532583447, ClinGen allele CA128987489.